The following is an entry in ClinVar:

NM_006254.4(PRKCD):c.1119G>A (p.Glu373=)

Gene: PRKCD (protein kinase C delta; plus strand). Cytogenetic location: 3p21.1.
Variant type: single nucleotide variant.
Coding change: c.1119G>A on transcript NM_006254.4 (MANE Select); coding-DNA position 1119, G replaced by A.
Protein change: p.Glu373=; no amino-acid change (glutamic acid 373 retained).
Molecular consequence: synonymous variant.
Genome position (GRCh38, 1-based): chr3:53,186,199, G>A. VCF-style: chr3-53186199-G-A. GRCh37 (hg19) VCF-style: chr3-53220215-G-A.
Other names: p.Glu373=; c.1119G>A, p.Glu373= (NM_001316327.2, NM_001354679.2, NM_001354680.2 and 1 more transcripts); c.1176G>A, p.Glu392= (NM_001354676.2); c.1167G>A, p.Glu389= (NM_001354678.2).
Identifiers: ClinVar variation 403345 (VCV000403345.19), dbSNP rs2230494, ClinGen allele CA2452101.

ClinVar aggregate classification (germline): Benign/Likely benign. Review status: criteria provided, multiple submitters, no conflicts (2 of 4 stars). 8 submissions from 8 submitters: Benign (7); Likely benign (1). Last evaluated 2026-02-04.

Conditions:
Autoimmune lymphoproliferative syndrome, type III caused by mutation in PRKCD. Identifiers: Orphanet 3261, Orphanet 664711, MedGen C3809928, MONDO:8000024, OMIM 615559.

Allele frequency attached by ClinVar (database versions not stated): gnomAD exomes 0.27078; ExAC 0.27574; 1000 Genomes Project 0.28215; 1000 Genomes Project 30x 0.28342; gnomAD 0.28885 and 0.29106; TOPMed 0.28985; ESP Exome Variant Server 0.29671.
gnomAD v4.1: 438,594 of 1,613,704 alleles (27%); highest among the groups gnomAD compares: African/African-American, 33%; 60,470 homozygotes.

Submissions (8):

Labcorp Genetics (formerly Invitae), Labcorp
Classification: Benign for Autoimmune lymphoproliferative syndrome, type III caused by mutation in PRKCD. Last evaluated: 2026-02-04. Review status: criteria provided, single submitter. Criteria: Invitae Variant Classification Sherloc (09022015). Collection method: clinical testing. Allele origin: germline.

Blueprint Genetics
Classification: Likely benign. Last evaluated: 2024-11-26. Review status: criteria provided, single submitter. Criteria: ACMG Guidelines, 2015. Collection method: clinical testing. Allele origin: germline.

Unidad de Genómica Garrahan, Hospital de Pediatría Garrahan
Classification: Benign. Last evaluated: 2023-11-12. Review status: criteria provided, single submitter. Criteria: ACMG Guidelines, 2015. Collection method: clinical testing. Allele origin: germline. Affected: no. Observed: 45 variant alleles.
Comment: This variant is classified as Benign based on local population frequency. This variant was detected in 47% of patients studied by a panel of primary immunodeficiencies. Number of patients: 45. Only high quality variants are reported.

Genome-Nilou Lab
Classification: Benign for Autoimmune lymphoproliferative syndrome, type III caused by mutation in PRKCD. Last evaluated: 2021-10-25. Review status: criteria provided, single submitter. Criteria: ACMG Guidelines, 2015. Collection method: clinical testing. Allele origin: germline. Affected: no.

GeneDx
Classification: Benign. Last evaluated: 2021-05-04. Review status: criteria provided, single submitter. Criteria: GeneDx Variant Classification Process June 2021. Collection method: clinical testing. Allele origin: germline. Affected: yes.

Mayo Clinic Laboratories, Mayo Clinic
Classification: Benign. Last evaluated: 2016-10-17. Review status: criteria provided, single submitter. Criteria: ACMG Guidelines, 2015. Collection method: clinical testing. Allele origin: germline. Observed: 398 variant alleles.

Laboratory for Molecular Medicine, Mass General Brigham Personalized Medicine
Classification: Benign. Last evaluated: 2016-03-29. Review status: criteria provided, single submitter. Criteria: LMM Criteria. Collection method: clinical testing. Allele origin: germline.
Comment: Variant identified in a genome or exome case(s) and assessed due to predicted null impact of the variant or pathogenic assertions in the literature or databases. Disclaimer: This variant has not undergone full assessment. The following are preliminary notes: Frequency

Breakthrough Genomics
Classification: Benign. Review status: criteria provided, single submitter. Criteria: ACMG Guidelines, 2015. Collection method: not provided. Allele origin: germline. Inheritance: Autosomal recessive inheritance. Affected: yes.